The following is an entry in ClinVar:

NM_024675.4(PALB2):c.1576C>T (p.His526Tyr)

Gene: PALB2 (partner and localizer of BRCA2; minus strand). Cytogenetic location: 16p12.2.
Variant type: single nucleotide variant.
Coding change: c.1576C>T on transcript NM_024675.4 (MANE Select); coding-DNA position 1576, C replaced by T.
Protein change: p.His526Tyr; replaces histidine 526 with tyrosine.
Molecular consequence: missense variant. On other transcripts: intron variant (3).
Genome position (GRCh38, 1-based): chr16:23,634,970, G>A on the plus strand (C>T on the coding strand, the complement: PALB2 is on the minus strand). VCF-style: chr16-23634970-G-A. GRCh37 (hg19) VCF-style: chr16-23646291-G-A.
Other names: c.1516C>T, p.His506Tyr (NM_001407296.1); c.1576C>T, p.His526Tyr (NM_001407297.1, NM_001407298.1, NM_001407299.1 and 3 more transcripts); c.691C>T, p.His231Tyr (NM_001407304.1, NM_001407305.1, NM_001407306.1 and 5 more transcripts); c.49-5695C>T (NM_001407314.1); c.-104-4501C>T (NM_001407313.1, NM_001407312.1); short protein forms H231Y, H506Y, H526Y.
Identifiers: ClinVar variation 3885221 (VCV003885221.1).
Genomic context (GRCh38, chr16:23,634,970, plus strand): 5'-CTTCTTCCTTGGACCTGTTAACAATCGACAGGCTAGAAGTTGGCAAAAGTGGTTCACAAT[G>A]ATCTGATGCTGGGGTGCAGGCTGATTTTCTTTTTCCTGTGTATCTTCTACCAGGTGCTTG-3'
Protein context (NP_078951.2, residues 516-536): RKSACTPASD[His526Tyr]CEPLLPTSSL

ClinVar aggregate classification (germline): Uncertain significance (1 of 4 stars; one submission).

Conditions:
Hereditary cancer-predisposing syndrome. Also called: Tumor predisposition; Neoplastic Syndromes, Hereditary; Hereditary Cancer Syndrome; Hereditary neoplastic syndrome. Identifiers: Orphanet 140162, MedGen C0027672, MeSH D009386, MONDO:0015356.

gnomAD v4.1: 1 of 1,614,194 alleles (0.000062%); highest among the groups gnomAD compares: South Asian, 0.0011%; no homozygotes.

Submission:

Ambry Genetics
Classification: Uncertain significance for Hereditary cancer-predisposing syndrome. Last evaluated: 2025-02-15. Review status: criteria provided, single submitter. Criteria: Ambry Variant Classification Scheme 2023. Collection method: clinical testing. Allele origin: germline.
Comment: The p.H526Y variant (also known as c.1576C>T), located in coding exon 4 of the PALB2 gene, results from a C to T substitution at nucleotide position 1576. The histidine at codon 526 is replaced by tyrosine, an amino acid with similar properties. This amino acid position is conserved. In addition, this alteration is predicted to be tolerated by in silico analysis. Based on the available evidence, the clinical significance of this variant remains unclear.